The following is an entry in ClinVar:

ClinVar aggregate classification (germline): Uncertain significance (1 of 4 stars; one submission).

Submission:

GeneDx
Classification: Uncertain significance. Last evaluated: 2024-11-14. Review status: criteria provided, single submitter. Criteria: GeneDx Variant Classification Process June 2021. Collection method: clinical testing. Allele origin: germline. Affected: yes.
Comment: Not observed at significant frequency in large population cohorts (gnomAD); In silico analysis supports that this missense variant has a deleterious effect on protein structure/function; Has not been previously published as pathogenic or benign to our knowledge

NM_001161352.2(KCNMA1):c.2626C>T (p.His876Tyr)

Genes: KCNMA1 (potassium calcium-activated channel subfamily M alpha 1; minus strand), KCNMA1-AS1 (KCNMA1 antisense RNA 1; plus strand). Cytogenetic location: 10q22.3.
Variant type: single nucleotide variant.
Coding change: c.2626C>T on transcript NM_001161352.2 (MANE Select); coding-DNA position 2626, C replaced by T.
Protein change: p.His876Tyr; replaces histidine 876 with tyrosine.
Molecular consequence: missense variant.
Genome position (GRCh38, 1-based): chr10:76,949,225, G>A on the plus strand (C>T on the coding strand, the complement: KCNMA1 is on the minus strand). VCF-style: chr10-76949225-G-A. GRCh37 (hg19) VCF-style: chr10-78708983-G-A.
Other names: c.2464C>T, p.His822Tyr (NM_001014797.3, NM_001322835.2, NM_001322837.2); c.2575C>T, p.His859Tyr (NM_001161353.2); c.2302C>T, p.His768Tyr (NM_001271518.2); c.2461C>T, p.His821Tyr (NM_001271519.2, NM_001322829.2, NM_001322836.2); c.2473C>T, p.His825Tyr (NM_001322830.2); c.2452C>T, p.His818Tyr (NM_001322832.2, NM_001410940.1, NM_002247.4); c.1999C>T, p.His667Tyr (NM_001322838.2); short protein forms H667Y, H768Y, H818Y, H821Y, H822Y, H825Y, H859Y, H876Y.
Identifiers: ClinVar variation 3899666 (VCV003899666.1).